The following is an entry in ClinVar:

ClinVar aggregate classification (germline): Likely pathogenic. Review status: criteria provided, multiple submitters, no conflicts (2 of 4 stars). 2 submissions from 2 submitters: Likely pathogenic (2). Last evaluated 2024-08-19.

Conditions:
Cystic fibrosis (CF). Also called: MUCOVISCIDOSIS. Identifiers: Orphanet 586, MedGen C0010674, MONDO:0009061, OMIM 219700. Disease mechanism: loss of function.

Submissions (2):

Ambry Genetics
Classification: Likely pathogenic for Cystic fibrosis. Last evaluated: 2024-08-19. Review status: criteria provided, single submitter. Criteria: Ambry Variant Classification Scheme 2023. Collection method: clinical testing. Allele origin: germline.
Comment: The c.4345_*486del585insTTG gross deletion includes at least a portion of coding exon 27 through at least a portion of the 3&rsquo; untranslated region (UTR) in the CFTR gene, and includes the deletion of 585 nucleotides and insertion of 3 nucleotides. This alteration occurs at the 3' terminus of theCFTR gene, is not expected to trigger nonsense-mediated mRNA decay, and only impacts the last 2.1% of the protein. However, premature stop codons are typically deleterious in nature and the impacted region is critical for protein function (Ambry internal data). Based on the majority of available evidence to date, this variant is likely to be pathogenic.

Servicio Canario de Salud, Hospital Universitario Nuestra Sra. de Candelaria
Classification: Likely pathogenic for Cystic fibrosis. Last evaluated: 2023-03-09. Review status: criteria provided, single submitter. Criteria: ACMG Guidelines, 2015. Collection method: clinical testing. Allele origin: paternal. Inheritance: Autosomal recessive inheritance. Affected: yes. Observed: 1 compound heterozygote.
Comment: This variant predicts the protein change of phenylalanine at position 1450 to leucine, the deletion of the last 30 amino acids of the protein as well as 486 additional nucleotides in the non-coding region 3'UTR, being replaced by 21 different amino acids. This variant has not been reported in the literature in individuals affected with CFTR-related conditions. This variant is not present in population databases (gnomAD no frequency). To date there are no functional/experimental studies that evaluate the impact on protein. In summary, c.4345_*486delinsTTG variant meets our criteria to be classified as likely pathogenic for cystic fibrosis in an autosomal recessive manner based upon its absence from controls and the clinical correlation in this patient´s phenotype.

Literature cited by the submitters: NCBI Bookshelf 1250 (cited by Servicio Canario de Salud, Hospital Universitario Nuestra Sra. de Candelaria).

NM_000492.4(CFTR):c.4345_*486delinsTTG (p.Phe1450_Ter1481del)

Genes: CFTR (CF transmembrane conductance regulator; plus strand), LOC111674477 (CFTR intron 23 enhancer; plus strand). Cytogenetic location: 7q31.2.
Variant type: Indel.
Coding change: c.4345_*486delinsTTG on transcript NM_000492.4 (MANE Select); coding-DNA position 4345 through 486 bases downstream of the stop codon, the reference bases replaced by TTG.
Protein change: p.Phe1450_Ter1481del.
Molecular consequence: stop lost, inframe deletion.
Genome position (GRCh38, 1-based): chr7:117,667,010-117,667,594, 585 bases replaced. GRCh37 (hg19): chr7:117,307,064-117,307,648.
Identifiers: ClinVar variation 2582827 (VCV002582827.3), dbSNP rs2485185751, ClinGen allele CA2582341939.